The following is an entry in ClinVar:

NM_000037.4(ANK1):c.2524G>T (p.Glu842Ter)

Gene: ANK1 (ankyrin 1; minus strand). Cytogenetic location: 8p11.21.
Variant type: single nucleotide variant.
Coding change: c.2524G>T on transcript NM_000037.4 (MANE Select); coding-DNA position 2524, G replaced by T.
Protein change: p.Glu842Ter; replaces glutamic acid 842 with a stop codon.
Molecular consequence: nonsense.
Genome position (GRCh38, 1-based): chr8:41,699,486, C>A on the plus strand (G>T on the coding strand, the complement: ANK1 is on the minus strand). VCF-style: chr8-41699486-C-A. GRCh37 (hg19) VCF-style: chr8-41557004-C-A.
Other names: p.Glu842*; c.2647G>T, p.Glu883Ter (NM_001142446.2); c.2524G>T, p.Glu842Ter (NM_020475.3, NM_020476.3, NM_020477.3); short protein forms E883*, E842*.
Identifiers: ClinVar variation 4541364 (VCV004541364.1).

ClinVar aggregate classification (germline): Likely pathogenic (1 of 4 stars; one submission).

Submission:

Mayo Clinic Laboratories, Mayo Clinic
Classification: Likely pathogenic. Last evaluated: 2025-08-27. Review status: criteria provided, single submitter. Criteria: ACMG Guidelines, 2015. Collection method: clinical testing. Allele origin: germline. Observed: 1 variant allele.
Comment: PM2_supporting, PVS1